The following is an entry in ClinVar:

ClinVar aggregate classification (germline): Uncertain significance. Review status: criteria provided, multiple submitters, no conflicts (2 of 4 stars). 4 submissions from 4 submitters: Uncertain significance (4). Last evaluated 2026-01-28.

Conditions:
Inborn genetic diseases. Identifiers: MedGen C0950123, MeSH D030342.
TRPM1-related disorder. Also called: TRPM1-related condition.

Allele frequency attached by ClinVar (database versions not stated): gnomAD 0.00008 and 0.00011; TOPMed 0.00009; gnomAD exomes 0.00012; ExAC 0.00014; ESP Exome Variant Server 0.00017.
gnomAD v4.1: 254 of 1,613,036 alleles (0.016%); highest among the groups gnomAD compares: South Asian, 0.053%; no homozygotes.

Submissions (4):

PreventionGenetics, part of Exact Sciences
Classification: Uncertain significance for TRPM1-related condition. Last evaluated: 2026-01-28. Review status: criteria provided, single submitter. Criteria: ACMG Guidelines, 2015. Collection method: clinical testing. Allele origin: germline.
Comment: The TRPM1 c.529G>A variant is predicted to result in the amino acid substitution p.Gly177Arg. To our knowledge, this variant has not been reported in the literature. This variant is reported in 0.036% of alleles in individuals of South Asian descent in gnomAD. At this time, the clinical significance of this variant is uncertain due to the absence of conclusive functional and genetic evidence.

Blueprint Genetics
Classification: Uncertain significance. Last evaluated: 2024-07-29. Review status: criteria provided, single submitter. Criteria: ACMG Guidelines, 2015. Collection method: clinical testing. Allele origin: germline.

Labcorp Genetics (formerly Invitae), Labcorp
Classification: Uncertain significance. Last evaluated: 2022-08-22. Review status: criteria provided, single submitter. Criteria: Invitae Variant Classification Sherloc (09022015). Collection method: clinical testing. Allele origin: germline.
Comment: This sequence change replaces glycine, which is neutral and non-polar, with arginine, which is basic and polar, at codon 138 of the TRPM1 protein (p.Gly138Arg). This variant is present in population databases (rs369025721, gnomAD 0.04%). This variant has not been reported in the literature in individuals affected with TRPM1-related conditions. ClinVar contains an entry for this variant (Variation ID: 1021662). Algorithms developed to predict the effect of missense changes on protein structure and function (SIFT, PolyPhen-2, Align-GVGD) all suggest that this variant is likely to be disruptive. Algorithms developed to predict the effect of sequence changes on RNA splicing suggest that this variant may create or strengthen a splice site. In summary, the available evidence is currently insufficient to determine the role of this variant in disease. Therefore, it has been classified as a Variant of Uncertain Significance.

Ambry Genetics
Classification: Uncertain significance for Inborn genetic diseases. Last evaluated: 2021-10-21. Review status: criteria provided, single submitter. Criteria: Ambry Variant Classification Scheme 2023. Collection method: clinical testing. Allele origin: germline.

NM_001252024.2(TRPM1):c.478G>A (p.Gly160Arg)

Gene: TRPM1 (transient receptor potential cation channel subfamily M member 1; minus strand). Cytogenetic location: 15q13.3.
Variant type: single nucleotide variant.
Coding change: c.478G>A on transcript NM_001252024.2 (MANE Select); coding-DNA position 478, G replaced by A.
Protein change: p.Gly160Arg; replaces glycine 160 with arginine.
Molecular consequence: missense variant.
Genome position (GRCh38, 1-based): chr15:31,067,894, C>T on the plus strand (G>A on the coding strand, the complement: TRPM1 is on the minus strand). VCF-style: chr15-31067894-C-T. GRCh37 (hg19) VCF-style: chr15-31360097-C-T.
Other names: c.529G>A, p.Gly177Arg (NM_001252020.2); c.412G>A, p.Gly138Arg (NM_002420.6); c.412G>A (NM_002420.4); c.529G>A (NM_001252020.1); short protein forms G138R, G160R, G177R.
Identifiers: ClinVar variation 1021662 (VCV001021662.8), dbSNP rs369025721, ClinGen allele CA7452948.
Genomic context (GRCh38, chr15:31,067,894, plus strand): 5'-CTGGGTGGTACATTGATTATCGGGAGGGAAAGGGCCTGCTCTTACCTGTGCTGACACCCC[C>T]GGTGAAGATCCAGGCCCCGGTGGTCATAGCAGCCTTGATCAGGCCTTTCCCAAAGACTTG-3'
Protein context (NP_001238953.1, residues 150-170): AMTTGAWIFT[Gly160Arg]GVSTGVISHV